The following is an entry in ClinVar:

ClinVar aggregate classification (germline): Conflicting classifications of pathogenicity. Review status: criteria provided, conflicting classifications (1 of 4 stars). 7 submissions from 7 submitters: Uncertain significance (1); Likely benign (3). 3 of the submissions do not count toward it. Last evaluated 2026-02-01.

Conditions:
ATP6AP1-related disorder. Also called: ATP6AP1-related disorders; ATP6AP1-related condition.
Intellectual disability. Also called: intellectual disabilities; Intellectual developmental disorder; Intellectual functioning disability. Identifiers: MedGen C3714756, MeSH D008607, MONDO:0001071, HP:0001249.

Allele frequency attached by ClinVar (database versions not stated): gnomAD exomes 0.00103 and 0.00180; gnomAD 0.00118 and 0.00122; ESP Exome Variant Server 0.00123; TOPMed 0.00125; 1000 Genomes Project 30x 0.00021; 1000 Genomes Project 0.00026; ExAC 0.00094.
gnomAD v4.1: 2,068 of 1,209,129 alleles (0.17%); highest among the groups gnomAD compares: Non-Finnish European, 0.22%; 2 homozygotes.

Submissions (7):

Labcorp Genetics (formerly Invitae), Labcorp
Classification: Likely benign. Last evaluated: 2026-02-01. Review status: criteria provided, single submitter. Criteria: Invitae Variant Classification Sherloc (09022015). Collection method: clinical testing. Allele origin: germline.

Blueprint Genetics
Classification: Likely benign. Last evaluated: 2024-11-26. Review status: criteria provided, single submitter. Criteria: ACMG Guidelines, 2015. Collection method: clinical testing. Allele origin: germline.

Cambridge Genomics Laboratory, East Genomic Laboratory Hub, NHS Genomic Medicine Service
Classification: Likely benign for Intellectual disability. Last evaluated: 2019-04-17. Review status: criteria provided, single submitter. Criteria: ACGS Best Practice Guidelines for Variant Classification in Rare Disease 2020. Collection method: clinical testing. Allele origin: germline. Affected: yes. Observed: 1 variant allele.

CeGaT Center for Human Genetics Tuebingen
Classification: Uncertain significance. Last evaluated: 2017-08-01. Review status: criteria provided, single submitter. Criteria: CeGaT Center For Human Genetics Tuebingen Variant Classification Criteria Version 2. Collection method: clinical testing. Allele origin: germline. Affected: yes. Observed: 1 variant allele.

PreventionGenetics, part of Exact Sciences
Classification: Likely benign for ATP6AP1-related condition. Last evaluated: 2019-07-02. Review status: no assertion criteria provided. Collection method: clinical testing. Allele origin: germline. Not counted in ClinVar's aggregate classification.
Comment: This variant is classified as likely benign based on ACMG/AMP sequence variant interpretation guidelines (Richards et al. 2015 PMID: 25741868, with internal and published modifications).

Clinical Genetics DNA and cytogenetics Diagnostics Lab, Erasmus MC, Erasmus Medical Center
Classification: Likely benign. Review status: no assertion criteria provided. Collection method: clinical testing. Allele origin: germline. Affected: yes. Study: VKGL Data-share Consensus. Not counted in ClinVar's aggregate classification.

Laboratory of Diagnostic Genome Analysis, Leiden University Medical Center (LUMC)
Classification: Likely benign. Review status: no assertion criteria provided. Collection method: clinical testing. Allele origin: germline. Affected: yes. Study: VKGL Data-share Consensus. Not counted in ClinVar's aggregate classification.

NM_001183.6(ATP6AP1):c.361G>C (p.Glu121Gln)

Gene: ATP6AP1 (ATPase H+ transporting accessory protein 1; plus strand). Cytogenetic location: Xq28.
Variant type: single nucleotide variant.
Coding change: c.361G>C on transcript NM_001183.6 (MANE Select); coding-DNA position 361, G replaced by C.
Protein change: p.Glu121Gln; replaces glutamic acid 121 with glutamine.
Molecular consequence: missense variant.
Genome position (GRCh38, 1-based): chrX:154,431,902, G>C. VCF-style: chrX-154431902-G-C. GRCh37 (hg19) VCF-style: chrX-153660248-G-C.
Other names: short protein forms E121Q.
Identifiers: ClinVar variation 493556 (VCV000493556.57), dbSNP rs148803059, ClinGen allele CA10562583.
Genomic context (GRCh38, chrX:154,431,902, plus strand): 5'-GATTTCACAGCATATGGCGGTGTGTTTGGAAACAAGCAGGACAGCGCCTTTTCTAACCTA[G>C]AGGTGAGAGTCCTCTCCCAGCCAGGGGCCATGGGGGACATTCTGTGCTCCTTCTCCCAGC-3'
Protein context (NP_001174.2, residues 111-131): NKQDSAFSNL[Glu121Gln]NALDLAPSSL